The following is an entry in ClinVar:

ClinVar aggregate classification (germline): Uncertain significance (1 of 4 stars; one submission).

Conditions:
Inborn genetic diseases. Identifiers: MedGen C0950123, MeSH D030342.

Allele frequency attached by ClinVar (database versions not stated): gnomAD exomes below 0.00001.
gnomAD v4.1: 6 of 1,614,022 alleles (0.00037%); highest among the groups gnomAD compares: Non-Finnish European, 0.00051%; no homozygotes.

Submission:

Ambry Genetics
Classification: Uncertain significance for Inborn genetic diseases. Last evaluated: 2022-12-09. Review status: criteria provided, single submitter. Criteria: Ambry Variant Classification Scheme 2023. Collection method: clinical testing. Allele origin: germline.
Comment: The p.F247C variant (also known as c.740T>G), located in coding exon 7 of the RTEL1 gene, results from a T to G substitution at nucleotide position 740. The phenylalanine at codon 247 is replaced by cysteine, an amino acid with highly dissimilar properties. This amino acid position is conserved. In addition, this alteration is predicted to be deleterious by in silico analysis. Since supporting evidence is limited at this time, the clinical significance of this alteration remains unclear.

NM_001283009.2(RTEL1):c.668T>G (p.Phe223Cys)

Genes: RTEL1 (regulator of telomere elongation helicase 1; plus strand), RTEL1-TNFRSF6B (RTEL1-TNFRSF6B readthrough (NMD candidate); plus strand). Cytogenetic location: 20q13.33.
Variant type: single nucleotide variant.
Coding change: c.668T>G on transcript NM_001283009.2 (MANE Select); coding-DNA position 668, T replaced by G.
Protein change: p.Phe223Cys; replaces phenylalanine 223 with cysteine.
Molecular consequence: missense variant. On other transcripts: non-coding transcript variant (1), 5 prime UTR variant (1).
Genome position (GRCh38, 1-based): chr20:63,667,522, T>G. VCF-style: chr20-63667522-T-G. GRCh37 (hg19) VCF-style: chr20-62298875-T-G.
Other names: c.-2T>G (NM_001283010.1); c.668T>G, p.Phe223Cys (NM_016434.4); c.740T>G, p.Phe247Cys (NM_032957.5); short protein forms F223C, F247C.
Identifiers: ClinVar variation 2451813 (VCV002451813.2), dbSNP rs2517017070, ClinGen allele CA409670725.